The following is an entry in ClinVar:

ClinVar aggregate classification (germline): Uncertain significance (1 of 4 stars; one submission).

Conditions:
Cardiovascular phenotype. Identifiers: MedGen CN230736.

gnomAD v4.1: 2 of 1,610,990 alleles (0.00012%); highest among the groups gnomAD compares: Non-Finnish European, 0.00017%; no homozygotes.

Submission:

Ambry Genetics
Classification: Uncertain significance for Cardiovascular phenotype. Last evaluated: 2022-01-30. Review status: criteria provided, single submitter. Criteria: Ambry Variant Classification Scheme 2023. Collection method: clinical testing. Allele origin: germline.
Comment: The p.G20R variant (also known as c.58G>C), located in coding exon 1 of the PRDM5 gene, results from a G to C substitution at nucleotide position 58. The glycine at codon 20 is replaced by arginine, an amino acid with dissimilar properties. This amino acid position is conserved. In addition, the in silico prediction for this alteration is inconclusive. Since supporting evidence is limited at this time, the clinical significance of this alteration remains unclear.

NM_018699.4(PRDM5):c.58G>C (p.Gly20Arg)

Gene: PRDM5 (PR/SET domain 5; minus strand). Cytogenetic location: 4q27.
Variant type: single nucleotide variant.
Coding change: c.58G>C on transcript NM_018699.4 (MANE Select); coding-DNA position 58, G replaced by C.
Protein change: p.Gly20Arg; replaces glycine 20 with arginine.
Molecular consequence: missense variant.
Genome position (GRCh38, 1-based): chr4:120,922,551, C>G on the plus strand (G>C on the coding strand, the complement: PRDM5 is on the minus strand). VCF-style: chr4-120922551-C-G. GRCh37 (hg19) VCF-style: chr4-121843706-C-G.
Other names: c.58G>C, p.Gly20Arg (NM_001300823.2, NM_001300824.2, NM_001379104.1 and 1 more transcripts); short protein forms G20R.
Identifiers: ClinVar variation 1750395 (VCV001750395.2), dbSNP rs1402143467, ClinGen allele CA358209882.